The following is an entry in ClinVar:

NM_001081550.2(THOC2):c.733T>C (p.Cys245Arg)

Gene: THOC2 (THO complex subunit 2; minus strand). Cytogenetic location: Xq25.
Variant type: single nucleotide variant.
Coding change: c.733T>C on transcript NM_001081550.2 (MANE Select); coding-DNA position 733, T replaced by C.
Protein change: p.Cys245Arg; replaces cysteine 245 with arginine.
Molecular consequence: missense variant.
Genome position (GRCh38, 1-based): chrX:123,686,583, A>G on the plus strand (T>C on the coding strand, the complement: THOC2 is on the minus strand). VCF-style: chrX-123686583-A-G. GRCh37 (hg19) VCF-style: chrX-122820433-A-G.
Other names: c.733T>C, p.Cys245Arg (NM_001441235.1, NM_001441236.1); short protein forms C245R.
Identifiers: ClinVar variation 4540135 (VCV004540135.1).

ClinVar aggregate classification (germline): Uncertain significance (1 of 4 stars; one submission).

Submission:

GeneDx
Classification: Uncertain significance. Last evaluated: 2025-06-23. Review status: criteria provided, single submitter. Criteria: GeneDx Variant Classification Process June 2021. Collection method: clinical testing. Allele origin: germline. Affected: yes.
Comment: Not observed at significant frequency in large population cohorts (gnomAD); In silico analysis supports that this missense variant has a deleterious effect on protein structure/function; Has not been previously published as pathogenic or benign to our knowledge